The following is an entry in ClinVar:

NM_024334.3(TMEM43):c.1003G>A (p.Asp335Asn)

Gene: TMEM43 (transmembrane protein 43; plus strand). Cytogenetic location: 3p25.1.
Variant type: single nucleotide variant.
Coding change: c.1003G>A on transcript NM_024334.3 (MANE Select); coding-DNA position 1003, G replaced by A.
Protein change: p.Asp335Asn; replaces aspartic acid 335 with asparagine.
Molecular consequence: missense variant.
Genome position (GRCh38, 1-based): chr3:14,141,595, G>A. VCF-style: chr3-14141595-G-A. GRCh37 (hg19) VCF-style: chr3-14183095-G-A.
Other names: c.1006G>A, p.Asp336Asn (NM_001407274.1); c.1000G>A, p.Asp334Asn (NM_001407275.1, NM_001407276.1); c.997G>A, p.Asp333Asn (NM_001407277.1); c.988G>A, p.Asp330Asn (NM_001407278.1); c.928G>A, p.Asp310Asn (NM_001407279.1); c.853G>A, p.Asp285Asn (NM_001407280.1); short protein forms D285N, D334N, D336N, D330N, D335N, D310N, D333N.
Identifiers: ClinVar variation 3892665 (VCV003892665.3).

ClinVar aggregate classification (germline): Uncertain significance. Review status: criteria provided, multiple submitters, no conflicts (2 of 4 stars). 3 submissions from 3 submitters: Uncertain significance (3). Last evaluated 2025-10-07.

Conditions:
Auditory neuropathy, autosomal dominant 3 (AUNA3). Identifiers: MedGen C5676964, MONDO:0859235, OMIM 619832.
Arrhythmogenic right ventricular dysplasia 5. Also called: Arrhythmogenic Right Ventricular Dysplasia/Cardiomyopathy 5; ARRHYTHMOGENIC RIGHT VENTRICULAR DYSPLASIA, FAMILIAL, 5. Identifiers: MedGen C1858379, MONDO:0011459, OMIM 604400.
Emery-Dreifuss muscular dystrophy 7, autosomal dominant (EDMD7). Also called: Emery-Dreifuss muscular dystrophy 7, AD. Identifiers: Orphanet 261, MedGen C3553060, MONDO:0013677, OMIM 614302.
Cardiomyopathy (CMYO). Also called: Cardiomyopathies. Identifiers: Orphanet 167848, MedGen C0878544, MONDO:0004994, HP:0001638. Inheritance: Various modes of inheritance.

gnomAD v4.1: 1 of 1,613,978 alleles (0.000062%); highest among the groups gnomAD compares: East Asian, 0.0022%; no homozygotes.

Submissions (3):

Athena Diagnostics
Classification: Uncertain significance. Last evaluated: 2025-10-07. Review status: criteria provided, single submitter. Criteria: Athena Diagnostics Criteria. Collection method: clinical testing. Allele origin: unknown.
Comment: Available data are insufficient to determine the clinical significance of the variant at this time. The frequency of this variant in the general population is uninformative in assessment of its pathogenicity. Polyphen and MutationTaster predict this amino acid change may be damaging to the protein.

Color Diagnostics, LLC DBA Color Health
Classification: Uncertain significance for Cardiomyopathy. Last evaluated: 2025-08-22. Review status: criteria provided, single submitter. Criteria: ACMG Guidelines, 2015. Collection method: clinical testing. Allele origin: germline.
Comment: This missense variant replaces aspartic acid with asparagine at codon 335 of the TMEM43 protein. Computational prediction suggests that this variant may not impact protein structure and function. To our knowledge, functional studies have not been reported for this variant. This variant has not been reported in individuals affected with TMEM43-related disorders in the literature. This variant has not been identified in the general population by the Genome Aggregation Database (gnomAD). The available evidence is insufficient to determine the role of this variant in disease conclusively. Therefore, this variant is classified as a Variant of Uncertain Significance.

Department of Pathology and Laboratory Medicine, Sinai Health System
Classification: Uncertain significance for Arrhythmogenic right ventricular dysplasia 5; Emery-Dreifuss muscular dystrophy 7, autosomal dominant; Auditory neuropathy, autosomal dominant 3. Last evaluated: 2021-07-30. Review status: criteria provided, single submitter. Criteria: ACMG Guidelines, 2015. Collection method: research. Allele origin: germline.